The following is an entry in ClinVar:

NM_001378454.1(ALMS1):c.4181A>G (p.Gln1394Arg)

Gene: ALMS1 (ALMS1 centrosome and basal body associated protein; plus strand). Cytogenetic location: 2p13.1.
Variant type: single nucleotide variant.
Coding change: c.4181A>G on transcript NM_001378454.1 (MANE Select); coding-DNA position 4181, A replaced by G.
Protein change: p.Gln1394Arg; replaces glutamine 1394 with arginine.
Molecular consequence: missense variant.
Genome position (GRCh38, 1-based): chr2:73,450,708, A>G. VCF-style: chr2-73450708-A-G. GRCh37 (hg19) VCF-style: chr2-73677835-A-G.
Other names: c.4184A>G, p.Gln1395Arg (NM_015120.4); short protein forms Q1395R, Q1394R.
Identifiers: ClinVar variation 551152 (VCV000551152.14), dbSNP rs368955191, ClinGen allele CA1713654.

ClinVar aggregate classification (germline): Uncertain significance. Review status: criteria provided, multiple submitters, no conflicts (2 of 4 stars). 5 submissions from 5 submitters: Uncertain significance (3). 2 of the submissions do not count toward it. Last evaluated 2026-01-13.

Conditions:
Alstrom syndrome (ALMS). Identifiers: Orphanet 64, MedGen C0268425, MONDO:0008763, OMIM 203800.

Allele frequency attached by ClinVar (database versions not stated): gnomAD 0.00001; gnomAD exomes 0.00001; ExAC 0.00002; TOPMed 0.00002; ESP Exome Variant Server 0.00017.
gnomAD v4.1: 20 of 1,612,506 alleles (0.0012%); highest among the groups gnomAD compares: African/African-American, 0.004%; no homozygotes.

Submissions (5):

Labcorp Genetics (formerly Invitae), Labcorp
Classification: Uncertain significance for Alstrom syndrome. Last evaluated: 2026-01-13. Review status: criteria provided, single submitter. Criteria: Invitae Variant Classification Sherloc (09022015). Collection method: clinical testing. Allele origin: germline.
Comment: This sequence change replaces glutamine, which is neutral and polar, with arginine, which is basic and polar, at codon 1395 of the ALMS1 protein (p.Gln1395Arg). This variant is present in population databases (rs368955191, gnomAD 0.007%). This variant has not been reported in the literature in individuals affected with ALMS1-related conditions. ClinVar contains an entry for this variant (Variation ID: 551152). Experimental studies and prediction algorithms are not available or were not evaluated, and the functional significance of this variant is currently unknown. In summary, the available evidence is currently insufficient to determine the role of this variant in disease. Therefore, it has been classified as a Variant of Uncertain Significance.

Fulgent Genetics
Classification: Uncertain significance for Alstrom syndrome. Last evaluated: 2021-08-04. Review status: criteria provided, single submitter. Criteria: ACMG Guidelines, 2015. Collection method: clinical testing. Allele origin: unknown.

Women's Health and Genetics/Laboratory Corporation of America, LabCorp
Classification: Uncertain significance. Last evaluated: 2021-04-20. Review status: criteria provided, single submitter. Criteria: LabCorp Variant Classification Summary - May 2015. Collection method: clinical testing. Allele origin: germline.
Comment: Variant summary: ALMS1 c.4178A>G (p.Gln1393Arg) , refseq NM_015120.4(ALMS1):c.4184A>G (p.Gln1395Arg), results in a conservative amino acid change located in the Alstrom syndrome repeat domain (IPR040972) of the encoded protein sequence. Four of five in-silico tools predict a benign effect of the variant on protein function. The variant allele was found at a frequency of 8e-06 in 249280 control chromosomes. The available data on variant occurrences in the general population are insufficient to allow any conclusion about variant significance. To our knowledge, no occurrence of c.4178A>G in individuals affected with Alstrom Syndrome With Dilated Cardiomyopathy and no experimental evidence demonstrating its impact on protein function have been reported. One clinical diagnostic laboratory has submitted clinical-significance assessments for this variant to ClinVar after 2014 without evidence for independent evaluation and classified the variant as uncertain significance. Based on the evidence outlined above, the variant was classified as uncertain significance.

Natera, Inc.
Classification: Uncertain significance for Alstrom syndrome. Last evaluated: 2021-04-26. Review status: no assertion criteria provided. Collection method: clinical testing. Allele origin: germline. Not counted in ClinVar's aggregate classification.

Counsyl
Classification: Uncertain significance for Alstrom syndrome. Last evaluated: 2017-03-17. Review status: no assertion criteria provided. Collection method: clinical testing. Allele origin: unknown. Not counted in ClinVar's aggregate classification.